The following is an entry in ClinVar:

NM_002485.5(NBN):c.1342C>T (p.Gln448Ter)

Gene: NBN (nibrin; minus strand). Cytogenetic location: 8q21.3.
Variant type: single nucleotide variant.
Coding change: c.1342C>T on transcript NM_002485.5 (MANE Select); coding-DNA position 1342, C replaced by T.
Protein change: p.Gln448Ter; replaces glutamine 448 with a stop codon.
Molecular consequence: nonsense.
Genome position (GRCh38, 1-based): chr8:89,955,338, G>A on the plus strand (C>T on the coding strand, the complement: NBN is on the minus strand). VCF-style: chr8-89955338-G-A. GRCh37 (hg19) VCF-style: chr8-90967566-G-A.
Other names: c.1096C>T, p.Gln366Ter (NM_001024688.3); short protein forms Q366*, Q448*.
Identifiers: ClinVar variation 1319192 (VCV001319192.4), dbSNP rs2129717874, ClinGen allele CA371656070.
Genomic context (GRCh38, chr8:89,955,338, plus strand): 5'-CAGACCTTTTTTTGGTAGACGGCTGAAAGTAGTTTCTGATGGAGTTGGTCTGCTGCTGCT[G>A]AGAAGCCCTATCTTTACTTTTATTTATACTTGGCAATTTAGTTGGTGAAAGCTGATAGTT-3'

ClinVar aggregate classification (germline): Pathogenic. Review status: criteria provided, multiple submitters, no conflicts (2 of 4 stars). 2 submissions from 2 submitters: Pathogenic (2). Last evaluated 2024-01-01.

Conditions:
Microcephaly, normal intelligence and immunodeficiency (NBS). Also called: Nijmegen breakage syndrome; Microcephaly with normal intelligence immunodeficiency and lymphoreticular malignancies; Nonsyndromal microcephaly autosomal recessive with normal intelligence; Seemanova syndrome 2; BERLIN BREAKAGE SYNDROME; IMMUNODEFICIENCY, MICROCEPHALY, AND CHROMOSOMAL INSTABILITY. Identifiers: Orphanet 647, MedGen C0398791, MONDO:0009623, OMIM 251260.

Submissions (2):

Myriad Genetics, Inc.
Classification: Pathogenic for Microcephaly, normal intelligence and immunodeficiency. Last evaluated: 2024-01-01. Review status: criteria provided, single submitter. Criteria: Myriad Autosomal Dominant, Autosomal Recessive and X-Linked Classification Criteria (2023). Collection method: clinical testing. Allele origin: unknown.
Comment: NM_002485.4(NBN):c.1342C>T(Q448*) is expected to be pathogenic in the context of Nijmegen breakage syndrome. This variant is predicted to lead to an abnormal or absent protein product due to the creation of a premature termination codon in NBN, a gene where loss-of-function variants are known to be pathogenic. Please note: this variant was assessed in the context of healthy population screening.

Institute for Clinical Genetics, University Hospital TU Dresden, University Hospital TU Dresden
Classification: Pathogenic. Last evaluated: 2021-11-03. Review status: criteria provided, single submitter. Criteria: ACMG Guidelines, 2015. Collection method: clinical testing. Allele origin: germline.